The following is an entry in ClinVar:

ClinVar aggregate classification (germline): Uncertain significance (1 of 4 stars; one submission).

Submission:

Ambry Genetics
Classification: Uncertain significance. Last evaluated: 2022-09-13. Review status: criteria provided, single submitter. Criteria: Ambry Variant Classification Scheme 2023. Collection method: clinical testing. Allele origin: germline.
Comment: The p.N460Y variant (also known as c.1378A>T), located in coding exon 13 of the NPAT gene, results from an A to T substitution at nucleotide position 1378. The asparagine at codon 460 is replaced by tyrosine, an amino acid with dissimilar properties. This amino acid position is conserved. In addition, this alteration is predicted to be tolerated by in silico analysis. Since supporting evidence is limited at this time, the clinical significance of this alteration remains unclear.

NM_002519.3(NPAT):c.1378A>T (p.Asn460Tyr)

Gene: NPAT (nuclear protein, coactivator of histone transcription; minus strand). Cytogenetic location: 11q22.3.
Variant type: single nucleotide variant.
Coding change: c.1378A>T on transcript NM_002519.3 (MANE Select); coding-DNA position 1378, A replaced by T.
Protein change: p.Asn460Tyr; replaces asparagine 460 with tyrosine.
Molecular consequence: missense variant.
Genome position (GRCh38, 1-based): chr11:108,173,606, T>A on the plus strand (A>T on the coding strand, the complement: NPAT is on the minus strand). VCF-style: chr11-108173606-T-A. GRCh37 (hg19) VCF-style: chr11-108044333-T-A.
Other names: c.1378A>T, p.Asn460Tyr (NM_001321307.1); short protein forms N460Y.
Identifiers: ClinVar variation 1771211 (VCV001771211.2), dbSNP rs1455515938, ClinGen allele CA382515435.